The following is an entry in ClinVar:

NM_005629.4(SLC6A8):c.514T>C (p.Cys172Arg)

Gene: SLC6A8 (solute carrier family 6 member 8; plus strand). Cytogenetic location: Xq28.
Variant type: single nucleotide variant.
Coding change: c.514T>C on transcript NM_005629.4 (MANE Select); coding-DNA position 514, T replaced by C.
Protein change: p.Cys172Arg; replaces cysteine 172 with arginine.
Molecular consequence: missense variant.
Genome position (GRCh38, 1-based): chrX:153,691,423, T>C. VCF-style: chrX-153691423-T-C. GRCh37 (hg19) VCF-style: chrX-152956878-T-C.
Other names: c.514T>C, p.Cys172Arg (NM_001142805.2); c.169T>C, p.Cys57Arg (NM_001142806.1); short protein forms C172R, C57R.
Identifiers: ClinVar variation 3720618 (VCV003720618.2).

ClinVar aggregate classification (germline): Uncertain significance (1 of 4 stars; one submission).

Conditions:
Creatine transporter deficiency (CCDS1). Also called: Mental retardation , X-linked with seizures, short stature and midface hypoplasia; Mental retardation , X-linked, with creatine transport deficiency; X-linked creatine transporter deficiency; X-linked creatine deficiency syndrome; SLC6A8-Related Creatine Transporter Deficiency; CREATINE TRANSPORTER DEFECT. Identifiers: Orphanet 52503, MedGen C1845862, MONDO:0010305, OMIM 300352.

Submission:

Labcorp Genetics (formerly Invitae), Labcorp
Classification: Uncertain significance for Creatine transporter deficiency. Last evaluated: 2024-12-06. Review status: criteria provided, single submitter. Criteria: Invitae Variant Classification Sherloc (09022015). Collection method: clinical testing. Allele origin: germline.
Comment: This sequence change replaces cysteine, which is neutral and slightly polar, with arginine, which is basic and polar, at codon 172 of the SLC6A8 protein (p.Cys172Arg). This variant is not present in population databases (gnomAD no frequency). This variant has not been reported in the literature in individuals affected with SLC6A8-related conditions. Invitae Evidence Modeling of protein sequence and biophysical properties (such as structural, functional, and spatial information, amino acid conservation, physicochemical variation, residue mobility, and thermodynamic stability) indicates that this missense variant is expected to disrupt SLC6A8 protein function with a positive predictive value of 95%. In summary, the available evidence is currently insufficient to determine the role of this variant in disease. Therefore, it has been classified as a Variant of Uncertain Significance.